The following is an entry in ClinVar:

NM_001291303.3(FAT4):c.14311C>T (p.Arg4771Cys)

Gene: FAT4 (FAT atypical cadherin 4; plus strand). Cytogenetic location: 4q28.1.
Variant type: single nucleotide variant.
Coding change: c.14311C>T on transcript NM_001291303.3 (MANE Select); coding-DNA position 14311, C replaced by T.
Protein change: p.Arg4771Cys; replaces arginine 4771 with cysteine.
Molecular consequence: missense variant.
Genome position (GRCh38, 1-based): chr4:125,491,127, C>T. VCF-style: chr4-125491127-C-T. GRCh37 (hg19) VCF-style: chr4-126412282-C-T.
Other names: c.14308C>T, p.Arg4770Cys (NM_001291285.3); c.14305C>T, p.Arg4769Cys (NM_024582.6); short protein forms R4770C, R4771C, R4769C.
Identifiers: ClinVar variation 917782 (VCV000917782.6), dbSNP rs144845192, ClinGen allele CA3074535.

ClinVar aggregate classification (germline): Uncertain significance. Review status: criteria provided, multiple submitters, no conflicts (2 of 4 stars). 3 submissions from 3 submitters: Uncertain significance (3). Last evaluated 2023-06-18.

Allele frequency attached by ClinVar (database versions not stated): gnomAD 0.00004 and 0.00005; gnomAD exomes 0.00005; ExAC 0.00007; TOPMed 0.00007; ESP Exome Variant Server 0.00008.

Submissions (3):

Labcorp Genetics (formerly Invitae), Labcorp
Classification: Uncertain significance. Last evaluated: 2023-06-18. Review status: criteria provided, single submitter. Criteria: Invitae Variant Classification Sherloc (09022015). Collection method: clinical testing. Allele origin: germline.
Comment: This sequence change replaces arginine, which is basic and polar, with cysteine, which is neutral and slightly polar, at codon 4769 of the FAT4 protein (p.Arg4769Cys). This variant is present in population databases (rs144845192, gnomAD 0.01%). In summary, the available evidence is currently insufficient to determine the role of this variant in disease. Therefore, it has been classified as a Variant of Uncertain Significance. Advanced modeling of protein sequence and biophysical properties (such as structural, functional, and spatial information, amino acid conservation, physicochemical variation, residue mobility, and thermodynamic stability) performed at Invitae indicates that this missense variant is not expected to disrupt FAT4 protein function. ClinVar contains an entry for this variant (Variation ID: 917782). This variant has not been reported in the literature in individuals affected with FAT4-related conditions.

Women's Health and Genetics/Laboratory Corporation of America, LabCorp
Classification: Uncertain significance. Last evaluated: 2022-02-25. Review status: criteria provided, single submitter. Criteria: LabCorp Variant Classification Summary - May 2015. Collection method: clinical testing. Allele origin: germline.
Comment: Variant summary: FAT4 c.14305C>T (p.Arg4769Cys) results in a non-conservative amino acid change in the encoded protein sequence. Four of five in-silico tools predict a damaging effect of the variant on protein function. The variant allele was found at a frequency of 4.8e-05 in 250984 control chromosomes (gnomAD). c.14305C>T has been reported in the literature in an individual affected with urothilial cancer (Yang_2021). This report does not provide unequivocal conclusions about association of the variant with FAT4-Related Disorders. To our knowledge, no experimental evidence demonstrating an impact on protein function has been reported. One clinical diagnostic laboratory has submitted clinical-significance assessments for this variant to ClinVar after 2014 and classified the variant as uncertain significance. Based on the evidence outlined above, the variant was classified as uncertain significance.

GeneDx
Classification: Uncertain significance. Last evaluated: 2019-08-22. Review status: criteria provided, single submitter. Criteria: GeneDx Variant Classification Process June 2021. Collection method: clinical testing. Allele origin: germline. Affected: yes.
Comment: Not observed at a significant frequency in large population cohorts (Lek et al., 2016); In silico analysis, which includes protein predictors and evolutionary conservation, supports a deleterious effect; Has not been previously published as pathogenic or benign to our knowledge

Literature cited by the submitters: PubMed 33588785 (cited by Women's Health and Genetics/Laboratory Corporation of America, LabCorp).